The following is an entry in ClinVar:

ClinVar aggregate classification (germline): Uncertain significance (1 of 4 stars; one submission).

Submission:

Labcorp Genetics (formerly Invitae), Labcorp
Classification: Uncertain significance. Last evaluated: 2024-03-27. Review status: criteria provided, single submitter. Criteria: Invitae Variant Classification Sherloc (09022015). Collection method: clinical testing. Allele origin: germline.
Comment: This sequence change replaces asparagine, which is neutral and polar, with aspartic acid, which is acidic and polar, at codon 115 of the GINS1 protein (p.Asn115Asp). This variant is not present in population databases (gnomAD no frequency). This variant has not been reported in the literature in individuals affected with GINS1-related conditions. An algorithm developed to predict the effect of missense changes on protein structure and function (PolyPhen-2) suggests that this variant is likely to be tolerated. In summary, the available evidence is currently insufficient to determine the role of this variant in disease. Therefore, it has been classified as a Variant of Uncertain Significance.

NM_021067.5(GINS1):c.343A>G (p.Asn115Asp)

Gene: GINS1 (GINS complex subunit 1; plus strand). Cytogenetic location: 20p11.21.
Variant type: single nucleotide variant.
Coding change: c.343A>G on transcript NM_021067.5 (MANE Select); coding-DNA position 343, A replaced by G.
Protein change: p.Asn115Asp; replaces asparagine 115 with aspartic acid.
Molecular consequence: missense variant. On other transcripts: non-coding transcript variant (1), intron variant (1).
Genome position (GRCh38, 1-based): chr20:25,425,223, A>G. VCF-style: chr20-25425223-A-G. GRCh37 (hg19) VCF-style: chr20-25405859-A-G.
Other names: c.88A>G, p.Asn30Asp (NM_001410831.1); c.330+7028A>G (NM_001410830.1); short protein forms N30D, N115D.
Identifiers: ClinVar variation 3641738 (VCV003641738.2).